The following is an entry in ClinVar:

NM_005271.5(GLUD1):c.87G>T (p.Leu29Phe)

Genes: GLUD1 (glutamate dehydrogenase 1; minus strand), SHLD2 (shieldin complex subunit 2; plus strand), LOC130004255 (ATAC-STARR-seq lymphoblastoid silent region 2577; plus strand). Cytogenetic location: 10q23.2.
Variant type: single nucleotide variant.
Coding change: c.87G>T on transcript NM_005271.5 (MANE Select); coding-DNA position 87, G replaced by T.
Protein change: p.Leu29Phe; replaces leucine 29 with phenylalanine.
Molecular consequence: missense variant. On other transcripts: 5 prime UTR variant (3).
Genome position (GRCh38, 1-based): chr10:87,094,683, C>A on the plus strand (G>T on the coding strand, the complement: GLUD1 is on the minus strand). VCF-style: chr10-87094683-C-A. GRCh37 (hg19) VCF-style: chr10-88854440-C-A.
Other names: c.-642G>T (NM_001318904.2); c.-768G>T (NM_001318905.2); c.-475G>T (NM_001318906.2); short protein forms L29F.
Identifiers: ClinVar variation 2450846 (VCV002450846.2), dbSNP rs2539928353, ClinGen allele CA377457751.

ClinVar aggregate classification (germline): Uncertain significance (1 of 4 stars; one submission).

Conditions:
Inborn genetic diseases. Identifiers: MedGen C0950123, MeSH D030342.

Submission:

Ambry Genetics
Classification: Uncertain significance for Inborn genetic diseases. Last evaluated: 2022-12-19. Review status: criteria provided, single submitter. Criteria: Ambry Variant Classification Scheme 2023. Collection method: clinical testing. Allele origin: germline.
Comment: The p.L29F variant (also known as c.87G>T), located in coding exon 1 of the GLUD1 gene, results from a G to T substitution at nucleotide position 87. The leucine at codon 29 is replaced by phenylalanine, an amino acid with highly similar properties. This amino acid position is conserved. In addition, the in silico prediction for this alteration is inconclusive. Since supporting evidence is limited at this time, the clinical significance of this alteration remains unclear.